The following is an entry in ClinVar:

ClinVar aggregate classification (germline): Uncertain significance (1 of 4 stars; one submission).

Submission:

Labcorp Genetics (formerly Invitae), Labcorp
Classification: Uncertain significance. Last evaluated: 2022-10-05. Review status: criteria provided, single submitter. Criteria: Invitae Variant Classification Sherloc (09022015). Collection method: clinical testing. Allele origin: germline.
Comment: In summary, the available evidence is currently insufficient to determine the role of this variant in disease. Therefore, it has been classified as a Variant of Uncertain Significance. This variant, c.4051_4056del, results in the deletion of 2 amino acid(s) of the VCAN protein (p.Ser1351_Lys1352del), but otherwise preserves the integrity of the reading frame. This variant is present in population databases (rs763148343, gnomAD 0.002%). This variant has not been reported in the literature in individuals affected with VCAN-related conditions. ClinVar contains an entry for this variant (Variation ID: 1385707). Experimental studies and prediction algorithms are not available or were not evaluated, and the functional significance of this variant is currently unknown.

NM_004385.5(VCAN):c.4051_4056del (p.Ser1351_Lys1352del)

Genes: VCAN (versican; plus strand), VCAN-AS1 (VCAN antisense RNA 1; minus strand). Cytogenetic location: 5q14.3.
Variant type: Deletion.
Coding change: c.4051_4056del on transcript NM_004385.5 (MANE Select); coding-DNA positions 4051 to 4056, 6 bases deleted (TCTAAA; older notation c.4051_4056delTCTAAA).
Protein change: p.Ser1351_Lys1352del.
Molecular consequence: inframe deletion. On other transcripts: intron variant (2).
Genome position (GRCh38, 1-based): chr5:83,537,054-83,537,059, TCTAAA deleted; deleting any 6 consecutive bases within chr5:83,537,052-83,537,059 gives the same sequence; the c. name uses the placement nearest the transcript's 3' end. VCF-style (leftmost placement, unchanged base first): chr5-83537051-GAATCTA-G. GRCh37 (hg19) VCF-style: chr5-82832870-GAATCTA-G.
Other names: c.1090_1095del, p.Ser364_Lys365del (NM_001164097.2); c.4004-8483_4004-8478del (NM_001164098.2); c.1043-8483_1043-8478del (NM_001126336.3).
Identifiers: ClinVar variation 1385707 (VCV001385707.8), dbSNP rs763148343, ClinGen allele CA3333113.